The following is an entry in ClinVar:

ClinVar aggregate classification (germline): Uncertain significance. Review status: criteria provided, multiple submitters, no conflicts (2 of 4 stars). 2 submissions from 2 submitters: Uncertain significance (2). Last evaluated 2022-10-27.

Conditions:
Inborn genetic diseases. Identifiers: MedGen C0950123, MeSH D030342.

Allele frequency attached by ClinVar (database versions not stated): gnomAD exomes below 0.00001; TOPMed below 0.00001; ExAC 0.00001; gnomAD 0.00001.
gnomAD v4.1: 8 of 1,614,020 alleles (0.0005%); highest among the groups gnomAD compares: Non-Finnish European, 0.00059%; no homozygotes.

Submissions (2):

Ambry Genetics
Classification: Uncertain significance for Inborn genetic diseases. Last evaluated: 2022-10-27. Review status: criteria provided, single submitter. Criteria: Ambry Variant Classification Scheme 2023. Collection method: clinical testing. Allele origin: germline.

Labcorp Genetics (formerly Invitae), Labcorp
Classification: Uncertain significance. Last evaluated: 2022-07-27. Review status: criteria provided, single submitter. Criteria: Invitae Variant Classification Sherloc (09022015). Collection method: clinical testing. Allele origin: germline.
Comment: This sequence change replaces valine, which is neutral and non-polar, with isoleucine, which is neutral and non-polar, at codon 4253 of the LRP2 protein (p.Val4253Ile). This variant is present in population databases (rs760760318, gnomAD 0.004%). This variant has not been reported in the literature in individuals affected with LRP2-related conditions. ClinVar contains an entry for this variant (Variation ID: 1494754). Advanced modeling of protein sequence and biophysical properties (such as structural, functional, and spatial information, amino acid conservation, physicochemical variation, residue mobility, and thermodynamic stability) performed at Invitae indicates that this missense variant is not expected to disrupt LRP2 protein function. In summary, the available evidence is currently insufficient to determine the role of this variant in disease. Therefore, it has been classified as a Variant of Uncertain Significance.

NM_004525.3(LRP2):c.12757G>A (p.Val4253Ile)

Gene: LRP2 (LDL receptor related protein 2; minus strand). Cytogenetic location: 2q31.1.
Variant type: single nucleotide variant.
Coding change: c.12757G>A on transcript NM_004525.3 (MANE Select); coding-DNA position 12757, G replaced by A.
Protein change: p.Val4253Ile; replaces valine 4253 with isoleucine.
Molecular consequence: missense variant.
Genome position (GRCh38, 1-based): chr2:169,146,793, C>T on the plus strand (G>A on the coding strand, the complement: LRP2 is on the minus strand). VCF-style: chr2-169146793-C-T. GRCh37 (hg19) VCF-style: chr2-170003303-C-T.
Other names: c.12757G>A (NM_004525.2); short protein forms V4253I.
Identifiers: ClinVar variation 1494754 (VCV001494754.6), dbSNP rs760760318, ClinGen allele CA1952742.
Genomic context (GRCh38, chr2:169,146,793, plus strand): 5'-TCTAACCTTCCTTTGCAATGACTCTCCTATCAGTCCCATCATATTTTATGGTTTCAATAA[C>T]GTCCTCCTTGAAGTCACTCCAGTAGATTCGGTCATTGTTCAAATAATCGATAGAAAGGCC-3'
Protein context (NP_004516.2, residues 4243-4263): RIYWSDFKED[Val4253Ile]IETIKYDGTD